The following is an entry in ClinVar:

ClinVar aggregate classification (germline): Likely benign. Review status: criteria provided, single submitter (1 of 4 stars). 2 submissions from 1 submitter: Likely benign (2). Last evaluated 2018-01-13.

Conditions:
Hypertrophic cardiomyopathy 11. Also called: ACTC1-Related Familial Hypertrophic Cardiomyopathy. Identifiers: MedGen C2677506, MONDO:0012799, OMIM 612098.
Dilated cardiomyopathy 1R (CMD1R). Identifiers: Orphanet 154, Orphanet 54260, MedGen C3150681, MONDO:0013261, OMIM 613424.

Allele frequency attached by ClinVar (database versions not stated): gnomAD 0.00771 and 0.00833; TOPMed 0.00856; 1000 Genomes Project 0.00958; 1000 Genomes Project 30x 0.01093.

Submissions (2):

Illumina Laboratory Services, Illumina
Classification: Likely benign for Hypertrophic cardiomyopathy 11. Last evaluated: 2018-01-13. Review status: criteria provided, single submitter. Criteria: ICSL Variant Classification Criteria 13 December 2019. Collection method: clinical testing. Allele origin: germline.
Comment: This variant was observed in the ICSL laboratory as part of a predisposition screen in an ostensibly healthy population. It had not been previously curated by ICSL or reported in the Human Gene Mutation Database (HGMD: prior to June 1st, 2018), and was therefore a candidate for classification through an automated scoring system. Utilizing variant allele frequency, disease prevalence and penetrance estimates, and inheritance mode, an automated score was calculated to assess if this variant is too frequent to cause the disease. Based on the score and internal cut-off values, a variant classified as likely benign is not then subjected to further curation. The score for this variant resulted in a classification of likely benign for this disease.

Illumina Laboratory Services, Illumina
Classification: Likely benign for Dilated cardiomyopathy 1R. Last evaluated: 2018-01-13. Review status: criteria provided, single submitter. Criteria: ICSL Variant Classification Criteria 13 December 2019. Collection method: clinical testing. Allele origin: germline.
Comment: the same text as in the submission from Illumina Laboratory Services, Illumina above.

NM_005159.4(ACTC1):c.*846G>A

Genes: GJD2-DT (GJD2 divergent transcript; plus strand), ACTC1 (actin alpha cardiac muscle 1; minus strand). Cytogenetic location: 15q14.
Variant type: single nucleotide variant.
Coding change: c.*846G>A on transcript NM_005159.4; 846 bases downstream of the stop codon, G replaced by A.
Genome position (GRCh38, 1-based): chr15:34,789,566, C>T on the plus strand (G>A on the coding strand, the complement: ACTC1 is on the minus strand). VCF-style: chr15-34789566-C-T. GRCh37 (hg19) VCF-style: chr15-35081767-C-T.
Identifiers: ClinVar variation 315676 (VCV000315676.7), dbSNP rs78596978, ClinGen allele CA10641620.
Genomic context (GRCh38, chr15:34,789,566, plus strand): 5'-CACCATACTTTGCAGAGAGCTCTGCACAGAGCAAAGCAAACACTGTGGCTCTCGCCTCCC[C>T]TTGCTCCCTCAGGACCTCGCAGCCTTCAGTTCACTCAACCCAAGATCTCAAGATTTCAAA-3'